The following is an entry in ClinVar:

ClinVar aggregate classification (germline): Uncertain significance (1 of 4 stars; one submission).

Conditions:
Inborn genetic diseases. Identifiers: MedGen C0950123, MeSH D030342.

gnomAD v4.1: 1 of 1,601,744 alleles (0.000062%); highest among the groups gnomAD compares: Non-Finnish European, 0.000085%; no homozygotes.

Submission:

Ambry Genetics
Classification: Uncertain significance for Inborn genetic diseases. Last evaluated: 2025-05-02. Review status: criteria provided, single submitter. Criteria: Ambry Variant Classification Scheme 2023. Collection method: clinical testing. Allele origin: germline.
Comment: The p.D1038E variant (also known as c.3114C>G), located in coding exon 31 of the RTEL1 gene, results from a C to G substitution at nucleotide position 3114. The aspartic acid at codon 1038 is replaced by glutamic acid, an amino acid with highly similar properties. This amino acid position is conserved. In addition, this alteration is predicted to be tolerated by in silico analysis. Based on the available evidence, the clinical significance of this variant remains unclear.

NM_001283009.2(RTEL1):c.3114C>G (p.Asp1038Glu)

Genes: RTEL1 (regulator of telomere elongation helicase 1; plus strand), RTEL1-TNFRSF6B (RTEL1-TNFRSF6B readthrough (NMD candidate); plus strand). Cytogenetic location: 20q13.33.
Variant type: single nucleotide variant.
Coding change: c.3114C>G on transcript NM_001283009.2 (MANE Select); coding-DNA position 3114, C replaced by G.
Protein change: p.Asp1038Glu; replaces aspartic acid 1038 with glutamic acid.
Molecular consequence: missense variant. On other transcripts: non-coding transcript variant (1).
Genome position (GRCh38, 1-based): chr20:63,694,745, C>G. VCF-style: chr20-63694745-C-G. GRCh37 (hg19) VCF-style: chr20-62326098-C-G.
Other names: c.2445C>G, p.Asp815Glu (NM_001283010.1); c.3114C>G, p.Asp1038Glu (NM_016434.4); c.3186C>G, p.Asp1062Glu (NM_032957.5); short protein forms D1038E, D1062E, D815E.
Identifiers: ClinVar variation 3948361 (VCV003948361.1).